The following is an entry in ClinVar:

ClinVar aggregate classification (germline): Conflicting classifications of pathogenicity. Review status: criteria provided, conflicting classifications (1 of 4 stars). 3 submissions from 3 submitters: Pathogenic (1); Uncertain significance (2). Last evaluated 2023-05-02.

Conditions:
Generalized pustular psoriasis. Identifiers: Orphanet 247353, MedGen C0343055, MONDO:0100491.
Acrodermatitis continua suppurativa of Hallopeau (PSORS14). Also called: INTERLEUKIN 36 RECEPTOR ANTAGONIST DEFICIENCY; Psoriasis 14, pustular; ACRODERMATITIS CONTINUA OF HALLOPEAU. Identifiers: Orphanet 163931, MedGen C0392439, MONDO:0013626, OMIM 614204.

Allele frequency attached by ClinVar (database versions not stated): ExAC 0.00001; gnomAD exomes 0.00002; gnomAD 0.00003; TOPMed 0.00003.
gnomAD v4.1: 16 of 1,613,880 alleles (0.00099%); highest among the groups gnomAD compares: African/African-American, 0.004%; no homozygotes.

Submissions (3):

Labcorp Genetics (formerly Invitae), Labcorp
Classification: Uncertain significance for Generalized pustular psoriasis. Last evaluated: 2023-05-02. Review status: criteria provided, single submitter. Criteria: Invitae Variant Classification Sherloc (09022015). Collection method: clinical testing. Allele origin: germline.
Comment: In summary, the available evidence is currently insufficient to determine the role of this variant in disease. Therefore, it has been classified as a Variant of Uncertain Significance. An algorithm developed to predict the effect of missense changes on protein structure and function (PolyPhen-2) suggests that this variant is likely to be disruptive. ClinVar contains an entry for this variant (Variation ID: 1363152). This missense change has been observed in individual(s) with generalized pustular psoriasis (PMID: 26589685). This variant is present in population databases (rs143724424, gnomAD 0.01%). This sequence change replaces glutamic acid, which is acidic and polar, with lysine, which is basic and polar, at codon 112 of the IL36RN protein (p.Glu112Lys).

Blueprint Genetics
Classification: Uncertain significance. Last evaluated: 2020-07-23. Review status: criteria provided, single submitter. Criteria: ACMG Guidelines, 2015. Collection method: clinical testing. Allele origin: germline.

Juno Genomics, Hangzhou Juno Genomics, Inc
Classification: Pathogenic for Acrodermatitis continua suppurativa of Hallopeau. Review status: criteria provided, single submitter. Criteria: ACMG Guidelines, 2015. Collection method: clinical testing. Allele origin: germline.
Comment: Absent from controls (or at extremely low frequency if recessive) in Genome Aggregation Database.;Multiple lines of computational evidence support a deleterious effect on the gene or gene product.;For recessive disorders, detected in trans with a pathogenic variant.;Patient's phenotype or family history is highly specific for a disease with a single genetic etiology.

Literature cited by the submitters: PubMed 26589685 (cited by Labcorp Genetics (formerly Invitae), Labcorp).

NM_012275.3(IL36RN):c.334G>A (p.Glu112Lys)

Gene: IL36RN (interleukin 36 receptor antagonist; plus strand). Cytogenetic location: 2q14.1.
Variant type: single nucleotide variant.
Coding change: c.334G>A on transcript NM_012275.3 (MANE Select); coding-DNA position 334, G replaced by A.
Protein change: p.Glu112Lys; replaces glutamic acid 112 with lysine.
Molecular consequence: missense variant.
Genome position (GRCh38, 1-based): chr2:113,062,543, G>A. VCF-style: chr2-113062543-G-A. GRCh37 (hg19) VCF-style: chr2-113820120-G-A.
Other names: c.334G>A, p.Glu112Lys (NM_173170.1); short protein forms E112K.
Identifiers: ClinVar variation 1363152 (VCV001363152.9), dbSNP rs143724424, ClinGen allele CA1838442.